The following is an entry in ClinVar:

ClinVar aggregate classification (germline): Uncertain significance. Review status: criteria provided, multiple submitters, no conflicts (2 of 4 stars). 3 submissions from 3 submitters: Uncertain significance (3). Last evaluated 2023-09-03.

Conditions:
Autosomal dominant nonsyndromic hearing loss 1. Also called: DEAFNESS, AUTOSOMAL DOMINANT 1, WITH OR WITHOUT THROMBOCYTOPENIA; KONIGSMARK SYNDROME. Identifiers: Orphanet 90635, MedGen C1852282, MONDO:0007424, OMIM 124900.
Progressive microcephaly-seizures-cortical blindness-developmental delay syndrome. Also called: Seizures, cortical blindness, and microcephaly syndrome. Identifiers: Orphanet 477814, MedGen C5567650, MONDO:0014714, OMIM 616632.

Allele frequency attached by ClinVar (database versions not stated): gnomAD exomes 0.00001; ExAC 0.00002; gnomAD 0.00003.
gnomAD v4.1: 23 of 1,613,856 alleles (0.0014%); highest among the groups gnomAD compares: Middle Eastern, 0.016%; no homozygotes.

Submissions (3):

Labcorp Genetics (formerly Invitae), Labcorp
Classification: Uncertain significance for Progressive microcephaly-seizures-cortical blindness-developmental delay syndrome; Autosomal dominant nonsyndromic hearing loss 1. Last evaluated: 2023-09-03. Review status: criteria provided, single submitter. Criteria: Invitae Variant Classification Sherloc (09022015). Collection method: clinical testing. Allele origin: germline.
Comment: In summary, the available evidence is currently insufficient to determine the role of this variant in disease. Therefore, it has been classified as a Variant of Uncertain Significance. Experimental studies and prediction algorithms are not available or were not evaluated, and the functional significance of this variant is currently unknown. ClinVar contains an entry for this variant (Variation ID: 1704792). This variant has not been reported in the literature in individuals affected with DIAPH1-related conditions. This variant is present in population databases (rs765008414, gnomAD 0.01%). This sequence change replaces arginine, which is basic and polar, with cysteine, which is neutral and slightly polar, at codon 579 of the DIAPH1 protein (p.Arg579Cys).

New York Genome Center
Classification: Uncertain significance for Autosomal dominant nonsyndromic hearing loss 1; Progressive microcephaly-seizures-cortical blindness-developmental delay syndrome. Last evaluated: 2023-02-26. Review status: criteria provided, single submitter. Criteria: NYGC Assertion Criteria 2020. Collection method: clinical testing. Allele origin: inherited. Observed: 1 heterozygote.

GeneDx
Classification: Uncertain significance. Last evaluated: 2022-03-08. Review status: criteria provided, single submitter. Criteria: GeneDx Variant Classification Process June 2021. Collection method: clinical testing. Allele origin: germline. Affected: yes.
Comment: In silico analysis supports that this missense variant does not alter protein structure/function; Has not been previously published as pathogenic or benign to our knowledge

NM_005219.5(DIAPH1):c.1735C>T (p.Arg579Cys)

Gene: DIAPH1 (diaphanous related formin 1; minus strand). Cytogenetic location: 5q31.3.
Variant type: single nucleotide variant.
Coding change: c.1735C>T on transcript NM_005219.5 (MANE Select); coding-DNA position 1735, C replaced by T.
Protein change: p.Arg579Cys; replaces arginine 579 with cysteine.
Molecular consequence: missense variant.
Genome position (GRCh38, 1-based): chr5:141,574,115, G>A on the plus strand (C>T on the coding strand, the complement: DIAPH1 is on the minus strand). VCF-style: chr5-141574115-G-A. GRCh37 (hg19) VCF-style: chr5-140953682-G-A.
Other names: c.1708C>T, p.Arg570Cys (NM_001079812.3); c.1735C>T, p.Arg579Cys (NM_001314007.2); short protein forms R570C, R579C.
Identifiers: ClinVar variation 1704792 (VCV001704792.6), dbSNP rs765008414, ClinGen allele CA3479223.